The following is an entry in ClinVar:

ClinVar aggregate classification (germline): Uncertain significance (1 of 4 stars; one submission).

Submission:

Women's Health and Genetics/Laboratory Corporation of America, LabCorp
Classification: Uncertain significance. Last evaluated: 2024-10-28. Review status: criteria provided, single submitter. Criteria: LabCorp Variant Classification Summary - May 2015. Collection method: clinical testing. Allele origin: germline.
Comment: Variant summary: SLC38A8 c.3G>A (p.Met1Ile) alters the initiation codon and is predicted to result either in absence of the protein or truncation of the encoded protein due to translation initiation at a downstream codon. An alternative dowstream in-frame start codon (p.Met27) is located in Exon 2 of the encoded protein.Two of four in-silico tools predict a benign effect of the variant on protein function. The variant allele was found at a frequency of 4.1e-06 in 245288 control chromosomes. The available data on variant occurrences in the general population are insufficient to allow any conclusion about variant significance. To our knowledge, no occurrence of c.3G>A in individuals affected with Foveal Hypoplasia, Optic Nerve Decussation Defect, Anterior Segment Dysgenesis Syndrome and no experimental evidence demonstrating its impact on protein function have been reported. No submitters have cited clinical-significance assessments for this variant to ClinVar. Based on the evidence outlined above, the variant was classified as uncertain significance.

NM_001080442.3(SLC38A8):c.3G>A (p.Met1Ile)

Gene: SLC38A8 (solute carrier family 38 member 8; minus strand). Cytogenetic location: 16q23.3.
Variant type: single nucleotide variant.
Coding change: c.3G>A on transcript NM_001080442.3 (MANE Select); coding-DNA position 3, G replaced by A.
Protein change: p.Met1Ile; changes the start codon (methionine 1).
Molecular consequence: missense variant, initiator codon variant.
Genome position (GRCh38, 1-based): chr16:84,042,155, C>T on the plus strand (G>A on the coding strand, the complement: SLC38A8 is on the minus strand). VCF-style: chr16-84042155-C-T. GRCh37 (hg19) VCF-style: chr16-84075760-C-T.
Other names: short protein forms M1I.
Identifiers: ClinVar variation 3385018 (VCV003385018.1).
Genomic context (GRCh38, chr16:84,042,155, plus strand): 5'-AGCAGCCGTGGCAGGGTGAGGCTTTTCTGGAAGGCCCCTGCTTCCTGGGGTCTGTCCCTC[C>T]ATGGCTAGAGGCGGCAGAGGGGTGGAGAGAAAGCACAGTCTTCACGCTTTCCTCCCTAAG-3'
Protein context (NP_001073911.1, residues 1-11): [Met1Ile]EGQTPGSRGL